The following is an entry in ClinVar:

ClinVar aggregate classification (germline): Uncertain significance. Review status: criteria provided, multiple submitters, no conflicts (2 of 4 stars). 4 submissions from 4 submitters: Uncertain significance (4). Last evaluated 2025-12-21.

Conditions:
Autosomal recessive limb-girdle muscular dystrophy type 2Q (LGMDR17). Also called: MUSCULAR DYSTROPHY, LIMB-GIRDLE, AUTOSOMAL RECESSIVE 17. Identifiers: Orphanet 254361, MedGen C3150989, MONDO:0013390, OMIM 613723.
Epidermolysis bullosa simplex 5C, with pyloric atresia (EBS5C). Also called: PLEC-Related Epidermolysis Bullosa with Pyloric Atresia; Epidermolysis bullosa simplex with pyloric atresia; PLEC1-Related Epidermolysis Bullosa with Pyloric Atresia. Identifiers: Orphanet 158684, MedGen C2677349, MONDO:0012807, OMIM 612138.
Epidermolysis bullosa simplex, Ogna type (EBS5A). Also called: Pidermolysis bullosa simplex 5A, Ogna type; EPIDERMOLYSIS BULLOSA SIMPLEX 5A, OGNA TYPE. Identifiers: Orphanet 79401, MedGen C0432317, MONDO:0007555, OMIM 131950.
Epidermolysis bullosa simplex 5B, with muscular dystrophy (EBS5B). Also called: EPIDERMOLYSIS BULLOSA SIMPLEX AND LIMB-GIRDLE MUSCULAR DYSTROPHY; Epidermolysis bullosa simplex with muscular dystrophy. Identifiers: Orphanet 257, MedGen C2931072, MONDO:0009181, OMIM 226670.
Epidermolysis bullosa simplex with nail dystrophy (EBS5D). Identifiers: MedGen C4225309, MONDO:0014661, OMIM 616487.
Inborn genetic diseases. Identifiers: MedGen C0950123, MeSH D030342.

Allele frequency attached by ClinVar (database versions not stated): gnomAD 0.00003 and 0.00004; ExAC 0.00004; gnomAD exomes 0.00004 and 0.00005; TOPMed 0.00004; ESP Exome Variant Server 0.00010.
gnomAD v4.1: 81 of 1,594,632 alleles (0.0051%); highest among the groups gnomAD compares: South Asian, 0.0088%; no homozygotes.

Submissions (4):

Labcorp Genetics (formerly Invitae), Labcorp
Classification: Uncertain significance for Autosomal recessive limb-girdle muscular dystrophy type 2Q; Epidermolysis bullosa simplex, Ogna type; Epidermolysis bullosa simplex with nail dystrophy; Epidermolysis bullosa simplex 5C, with pyloric atresia; Epidermolysis bullosa simplex 5B, with muscular dystrophy. Last evaluated: 2025-12-21. Review status: criteria provided, single submitter. Criteria: Invitae Variant Classification Sherloc (09022015). Collection method: clinical testing. Allele origin: germline.
Comment: This sequence change replaces glutamic acid, which is acidic and polar, with lysine, which is basic and polar, at codon 1900 of the PLEC protein (p.Glu1900Lys). This variant is present in population databases (rs367715409, gnomAD 0.01%). This variant has not been reported in the literature in individuals affected with PLEC-related conditions. ClinVar contains an entry for this variant (Variation ID: 471612). Experimental studies and prediction algorithms are not available or were not evaluated, and the functional significance of this variant is currently unknown. In summary, the available evidence is currently insufficient to determine the role of this variant in disease. Therefore, it has been classified as a Variant of Uncertain Significance.

Ambry Genetics
Classification: Uncertain significance for Inborn genetic diseases. Last evaluated: 2024-11-13. Review status: criteria provided, single submitter. Criteria: Ambry Variant Classification Scheme 2023. Collection method: clinical testing. Allele origin: germline.

Blueprint Genetics
Classification: Uncertain significance. Last evaluated: 2024-03-08. Review status: criteria provided, single submitter. Criteria: ACMG Guidelines, 2015. Collection method: clinical testing. Allele origin: germline.

Revvity Omics, Revvity
Classification: Uncertain significance. Last evaluated: 2019-10-04. Review status: criteria provided, single submitter. Criteria: ACMG Guidelines, 2015. Collection method: clinical testing. Allele origin: germline.

NM_201384.3(PLEC):c.5617G>A (p.Glu1873Lys)

Gene: PLEC (plectin; minus strand). Cytogenetic location: 8q24.3.
Variant type: single nucleotide variant.
Coding change: c.5617G>A on transcript NM_201384.3 (MANE Select); coding-DNA position 5617, G replaced by A.
Protein change: p.Glu1873Lys; replaces glutamic acid 1873 with lysine.
Molecular consequence: missense variant.
Genome position (GRCh38, 1-based): chr8:143,924,312, C>T on the plus strand (G>A on the coding strand, the complement: PLEC is on the minus strand). VCF-style: chr8-143924312-C-T. GRCh37 (hg19) VCF-style: chr8-144998480-C-T.
Other names: c.5698G>A, p.Glu1900Lys (NM_000445.5); c.5575G>A, p.Glu1859Lys (NM_201378.4); c.5551G>A, p.Glu1851Lys (NM_201379.3); c.6028G>A, p.Glu2010Lys (NM_201380.4); c.5521G>A, p.Glu1841Lys (NM_201381.3); c.5617G>A, p.Glu1873Lys (NM_201382.4); c.5629G>A, p.Glu1877Lys (NM_201383.3); c.5698G>A (NM_000445.3); short protein forms E1851K, E1859K, E1873K, E1877K, E1841K, E1900K, E2010K.
Identifiers: ClinVar variation 471612 (VCV000471612.10), dbSNP rs367715409, ClinGen allele CA4926298.
Genomic context (GRCh38, chr8:143,924,312, plus strand): 5'-CCTCGATGTCAGCCTTGTGTTGCGCGGCCTGCTCCTCCAGCCGCCGCCGCTGGAAGGCCT[C>T]GTCCTCCGCCAGCCGCCGCAGGCGCTCGTTCTCCGCCTCCTTCTCCTTGAGCGCGATCTC-3'
Protein context (NP_958786.1, residues 1863-1883): NERLRRLAED[Glu1873Lys]AFQRRRLEEQ